The following is an entry in ClinVar:

ClinVar aggregate classification (germline): Uncertain significance (1 of 4 stars; one submission).

Conditions:
Idiopathic generalized epilepsy. Also called: EIG; Generalised epilepsy. Identifiers: MedGen C0270850, MONDO:0005579, OMIM 600669.

Submission:

Labcorp Genetics (formerly Invitae), Labcorp
Classification: Uncertain significance for Idiopathic generalized epilepsy. Last evaluated: 2023-06-09. Review status: criteria provided, single submitter. Criteria: Invitae Variant Classification Sherloc (09022015). Collection method: clinical testing. Allele origin: germline.
Comment: Advanced modeling of protein sequence and biophysical properties (such as structural, functional, and spatial information, amino acid conservation, physicochemical variation, residue mobility, and thermodynamic stability) performed at Invitae indicates that this missense variant is not expected to disrupt RBFOX1 protein function. This variant has not been reported in the literature in individuals affected with RBFOX1-related conditions. This variant is not present in population databases (gnomAD no frequency). This sequence change replaces asparagine, which is neutral and polar, with aspartic acid, which is acidic and polar, at codon 55 of the RBFOX1 protein (p.Asn55Asp). In summary, the available evidence is currently insufficient to determine the role of this variant in disease. Therefore, it has been classified as a Variant of Uncertain Significance.

NM_018723.4(RBFOX1):c.103A>G (p.Asn35Asp)

Gene: RBFOX1 (RNA binding fox-1 homolog 1; plus strand). Cytogenetic location: 16p13.3.
Variant type: single nucleotide variant.
Coding change: c.103A>G on transcript NM_018723.4 (MANE Select); coding-DNA position 103, A replaced by G.
Protein change: p.Asn35Asp; replaces asparagine 35 with aspartic acid.
Molecular consequence: missense variant.
Genome position (GRCh38, 1-based): chr16:7,518,222, A>G. VCF-style: chr16-7518222-A-G. GRCh37 (hg19) VCF-style: chr16-7568224-A-G.
Other names: c.103A>G, p.Asn35Asp (NM_001142334.2, NM_001364800.2, NM_001415916.1 and 1 more transcripts); c.232A>G, p.Asn78Asp (NM_001308117.1, NM_001411047.1, NM_001415891.1 and 5 more transcripts); c.700A>G, p.Asn234Asp (NM_001415887.1, NM_001415888.1); c.211A>G, p.Asn71Asp (NM_001415889.1, NM_001415892.1, NM_001415894.1 and 5 more transcripts); c.178A>G, p.Asn60Asp (NM_001415890.1, NM_001415893.1, NM_001415899.1 and 4 more transcripts); c.163A>G, p.Asn55Asp (NM_001415896.1, NM_001415904.1, NM_001415906.1 and 4 more transcripts); c.109A>G, p.Asn37Asp (NM_001415902.1, NM_001415911.1, NM_001415917.1); short protein forms N234D, N55D, N37D, N71D, N35D, N60D, N78D.
Identifiers: ClinVar variation 2791399 (VCV002791399.3), dbSNP rs2548520711, ClinGen allele CA394796448.